The following is an entry in ClinVar:

NM_006204.4(PDE6C):c.898G>A (p.Glu300Lys)

Gene: PDE6C (phosphodiesterase 6C; plus strand). Cytogenetic location: 10q23.33.
Variant type: single nucleotide variant.
Coding change: c.898G>A on transcript NM_006204.4 (MANE Select); coding-DNA position 898, G replaced by A.
Protein change: p.Glu300Lys; replaces glutamic acid 300 with lysine.
Molecular consequence: missense variant.
Genome position (GRCh38, 1-based): chr10:93,625,608, G>A. VCF-style: chr10-93625608-G-A. GRCh37 (hg19) VCF-style: chr10-95385365-G-A.
Other names: c.898G>A (NM_006204.3); short protein forms E300K.
Identifiers: ClinVar variation 2963190 (VCV002963190.4), dbSNP rs1241033540, ClinGen allele CA377630727.
Genomic context (GRCh38, chr10:93,625,608, plus strand): 5'-ATGATACTTAAATCTGATTGCCTCCAGGAATTCTACGATGAATGGCCAATCAAGCTTGGA[G>A]AAGTAGAGCCTTATAAAGGTCCAAAGACACCTGATGGCAGGGTACGTGCAAATGTCTTCC-3'
Protein context (NP_006195.3, residues 290-310): FYDEWPIKLG[Glu300Lys]VEPYKGPKTP

ClinVar aggregate classification (germline): Uncertain significance. Review status: criteria provided, multiple submitters, no conflicts (2 of 4 stars). 2 submissions from 2 submitters: Uncertain significance (2). Last evaluated 2025-11-08.

Conditions:
Inborn genetic diseases. Identifiers: MedGen C0950123, MeSH D030342.

Allele frequency attached by ClinVar (database versions not stated): gnomAD 0.00001; gnomAD exomes 0.00001; TOPMed 0.00001.
gnomAD v4.1: 4 of 1,613,718 alleles (0.00025%); highest among the groups gnomAD compares: Non-Finnish European, 0.00034%; no homozygotes.

Submissions (2):

Ambry Genetics
Classification: Uncertain significance for Inborn genetic diseases. Last evaluated: 2025-11-08. Review status: criteria provided, single submitter. Criteria: Ambry Variant Classification Scheme 2023. Collection method: clinical testing. Allele origin: germline.

Labcorp Genetics (formerly Invitae), Labcorp
Classification: Uncertain significance. Last evaluated: 2023-03-20. Review status: criteria provided, single submitter. Criteria: Invitae Variant Classification Sherloc (09022015). Collection method: clinical testing. Allele origin: germline.
Comment: In summary, the available evidence is currently insufficient to determine the role of this variant in disease. Therefore, it has been classified as a Variant of Uncertain Significance. Advanced modeling of protein sequence and biophysical properties (such as structural, functional, and spatial information, amino acid conservation, physicochemical variation, residue mobility, and thermodynamic stability) performed at Invitae indicates that this missense variant is not expected to disrupt PDE6C protein function. This variant has not been reported in the literature in individuals affected with PDE6C-related conditions. This variant is not present in population databases (gnomAD no frequency). This sequence change replaces glutamic acid, which is acidic and polar, with lysine, which is basic and polar, at codon 300 of the PDE6C protein (p.Glu300Lys).